The following is an entry in ClinVar:

NM_020708.5(SLC12A5):c.2860A>G (p.Asn954Asp)

Gene: SLC12A5 (solute carrier family 12 member 5; plus strand). Cytogenetic location: 20q13.12.
Variant type: single nucleotide variant.
Coding change: c.2860A>G on transcript NM_020708.5 (MANE Select); coding-DNA position 2860, A replaced by G.
Protein change: p.Asn954Asp; replaces asparagine 954 with aspartic acid.
Molecular consequence: missense variant.
Genome position (GRCh38, 1-based): chr20:46,056,222, A>G. VCF-style: chr20-46056222-A-G. GRCh37 (hg19) VCF-style: chr20-44684861-A-G.
Other names: c.2929A>G, p.Asn977Asp (NM_001134771.2); c.2929A>G (NM_001134771.1); short protein forms N954D, N977D.
Identifiers: ClinVar variation 1043362 (VCV001043362.9), dbSNP rs781354583, ClinGen allele CA9887723.

ClinVar aggregate classification (germline): Uncertain significance. Review status: criteria provided, multiple submitters, no conflicts (2 of 4 stars). 3 submissions from 3 submitters: Uncertain significance (3). Last evaluated 2025-12-10.

Conditions:
Epilepsy, idiopathic generalized, susceptibility to, 14 (EIG14). Identifiers: MedGen C4225245, MONDO:0014734, OMIM 616685.
Developmental and epileptic encephalopathy, 34 (DEE34). Also called: SLC12A5-Related Epilepsy of Infancy with Migrating Focal Seizures; Early infantile epileptic encephalopathy 34. Identifiers: Orphanet 293181, MedGen C4225257, MONDO:0014718, OMIM 616645.

Allele frequency attached by ClinVar (database versions not stated): gnomAD exomes 0.00001 and 0.00003; TOPMed 0.00001; ExAC 0.00003.
gnomAD v4.1: 15 of 1,614,192 alleles (0.00093%); highest among the groups gnomAD compares: East Asian, 0.013%; no homozygotes.

Submissions (3):

Genetics and Genomic Medicine Centre, NeuroGen Healthcare, NeuroGen Healthcare
Classification: Uncertain significance for Epilepsy, idiopathic generalized, susceptibility to, 14. Last evaluated: 2025-12-10. Review status: criteria provided, single submitter. Criteria: ACMG Guidelines, 2015. Collection method: clinical testing. Allele origin: unknown. Affected: yes.

Ambry Genetics
Classification: Uncertain significance. Last evaluated: 2025-10-02. Review status: criteria provided, single submitter. Criteria: Ambry Variant Classification Scheme 2023. Collection method: clinical testing. Allele origin: germline.

Labcorp Genetics (formerly Invitae), Labcorp
Classification: Uncertain significance for Developmental and epileptic encephalopathy, 34. Last evaluated: 2022-08-16. Review status: criteria provided, single submitter. Criteria: Invitae Variant Classification Sherloc (09022015). Collection method: clinical testing. Allele origin: germline.
Comment: This sequence change replaces asparagine, which is neutral and polar, with aspartic acid, which is acidic and polar, at codon 954 of the SLC12A5 protein (p.Asn954Asp). This variant is present in population databases (rs781354583, gnomAD 0.03%). This variant has not been reported in the literature in individuals affected with SLC12A5-related conditions. ClinVar contains an entry for this variant (Variation ID: 1043362). Advanced modeling of protein sequence and biophysical properties (such as structural, functional, and spatial information, amino acid conservation, physicochemical variation, residue mobility, and thermodynamic stability) performed at Invitae indicates that this missense variant is not expected to disrupt SLC12A5 protein function. In summary, the available evidence is currently insufficient to determine the role of this variant in disease. Therefore, it has been classified as a Variant of Uncertain Significance.